The following is an entry in ClinVar:

NM_194248.3(OTOF):c.5826G>A (p.Thr1942=)

Gene: OTOF (otoferlin; minus strand). Cytogenetic location: 2p23.3.
Variant type: single nucleotide variant.
Coding change: c.5826G>A on transcript NM_194248.3 (MANE Select); coding-DNA position 5826, G replaced by A.
Protein change: p.Thr1942=; no amino-acid change (threonine 1942 retained).
Molecular consequence: synonymous variant. On other transcripts: intron variant (2).
Genome position (GRCh38, 1-based): chr2:26,460,193, C>T on the plus strand (G>A on the coding strand, the complement: OTOF is on the minus strand). VCF-style: chr2-26460193-C-T. GRCh37 (hg19) VCF-style: chr2-26683061-C-T.
Other names: c.3525G>A, p.Thr1175= (NM_004802.4); c.3756G>A, p.Thr1252= (NM_194322.3); c.5813+454G>A (NM_001287489.2); c.3512+454G>A (NM_194323.3).
Identifiers: ClinVar variation 48272 (VCV000048272.9), dbSNP rs111033353, ClinGen allele CA142952.

ClinVar aggregate classification (germline): Benign/Likely benign. Review status: criteria provided, multiple submitters, no conflicts (2 of 4 stars). 3 submissions from 3 submitters: Benign (1); Likely benign (2). Last evaluated 2026-02-19.

Conditions:
OTOF-related disorder. Also called: OTOF-related condition.

Allele frequency attached by ClinVar (database versions not stated): gnomAD exomes 0.00008; ExAC 0.00011; TOPMed 0.00014; ESP Exome Variant Server 0.00015; 1000 Genomes Project 30x 0.00016; gnomAD 0.00019; 1000 Genomes Project 0.00020.
gnomAD v4.1: 60 of 1,603,156 alleles (0.0037%); highest among the groups gnomAD compares: African/African-American, 0.037%; no homozygotes.

Submissions (3):

PreventionGenetics, part of Exact Sciences
Classification: Likely benign for OTOF-related condition. Last evaluated: 2026-02-19. Review status: criteria provided, single submitter. Criteria: ACMG Guidelines, 2015. Collection method: clinical testing. Allele origin: germline.
Comment: This variant is classified as likely benign based on ACMG/AMP sequence variant interpretation guidelines (Richards et al. 2015 PMID: 25741868, with internal and published modifications).

Labcorp Genetics (formerly Invitae), Labcorp
Classification: Benign. Last evaluated: 2026-01-16. Review status: criteria provided, single submitter. Criteria: Invitae Variant Classification Sherloc (09022015). Collection method: clinical testing. Allele origin: germline.

Laboratory for Molecular Medicine, Mass General Brigham Personalized Medicine
Classification: Likely benign. Last evaluated: 2008-03-01. Review status: criteria provided, single submitter. Criteria: LMM Criteria. Collection method: clinical testing. Allele origin: germline. Observed: 1 variant allele.